The following is an entry in ClinVar:

NM_033225.6(CSMD1):c.677C>G (p.Ser226Ter)

Gene: CSMD1 (CUB and Sushi multiple domains 1; minus strand). Cytogenetic location: 8p23.2.
Variant type: single nucleotide variant.
Coding change: c.677C>G on transcript NM_033225.6 (MANE Select); coding-DNA position 677, C replaced by G.
Protein change: p.Ser226Ter; replaces serine 226 with a stop codon.
Molecular consequence: nonsense.
Genome position (GRCh38, 1-based): chr8:3,998,044, G>C on the plus strand (C>G on the coding strand, the complement: CSMD1 is on the minus strand). VCF-style: chr8-3998044-G-C. GRCh37 (hg19) VCF-style: chr8-3855566-G-C.
Other names: short protein forms S226*.
Identifiers: ClinVar variation 2627011 (VCV002627011.1), dbSNP rs1050959021, ClinGen allele CA370213637.

ClinVar aggregate classification (germline): Uncertain significance (1 of 4 stars; one submission).

Submission:

Greenwood Genetic Center Diagnostic Laboratories, Greenwood Genetic Center
Classification: Uncertain significance. Last evaluated: 2023-07-28. Review status: criteria provided, single submitter. Criteria: ACMG Guidelines, 2015. Collection method: clinical testing. Allele origin: germline. Affected: yes.
Comment: Gene of Uncertain Significance